The following is an entry in ClinVar:

NM_007294.4(BRCA1):c.4867G>A (p.Ala1623Thr)

Gene: BRCA1 (BRCA1 DNA repair associated; minus strand). Cytogenetic location: 17q21.31.
Variant type: single nucleotide variant.
Coding change: c.4867G>A on transcript NM_007294.4 (MANE Select); coding-DNA position 4867, G replaced by A.
Protein change: p.Ala1623Thr; replaces alanine 1623 with threonine.
Molecular consequence: missense variant. On other transcripts: intron variant (1).
Genome position (GRCh38, 1-based): chr17:43,071,047, C>T on the plus strand (G>A on the coding strand, the complement: BRCA1 is on the minus strand). VCF-style: chr17-43071047-C-T. GRCh37 (hg19) VCF-style: chr17-41223064-C-T.
Other names: c.4852G>A, p.Ala1618Thr (NM_001407647.1); c.4810G>A, p.Ala1604Thr (NM_001407648.1); c.4807G>A, p.Ala1603Thr (NM_001407649.1); c.4867G>A, p.Ala1623Thr (NM_001407652.1, NM_001407593.1, NM_001407594.1 and 8 more transcripts); c.4789G>A, p.Ala1597Thr (NM_001407653.1, NM_001407654.1, NM_001407655.1); c.4786G>A, p.Ala1596Thr (NM_001407656.1, NM_001407657.1, NM_001407658.1); c.4783G>A, p.Ala1595Thr (NM_001407659.1, NM_001407660.1, NM_001407661.1 and 2 more transcripts); c.4744G>A, p.Ala1582Thr (NM_001407664.1, NM_001407665.1, NM_001407666.1 and 6 more transcripts); and 71 more; short protein forms A1496T, A1510T, A1552T, A1556T, A1575T, A1580T, A1603T, A1620T.
Identifiers: ClinVar variation 2729036 (VCV002729036.4), dbSNP rs2153829237, ClinGen allele CA10591794.
Genomic context (GRCh38, chr17:43,071,047, plus strand): 5'-TTGAAGCTGTCAATTCTGGCTTCTCCCTGCTCACACTTTCTTCCATTGCATTATACCCAG[C>T]AGTATCAGTAGTATGAGCAGCAGCTGGACTCTGGGCAGATTCTGCAACTTTCAATTGGGG-3'
Protein context (NP_009225.1, residues 1613-1633): SPAAAHTTDT[Ala1623Thr]GYNAMEESVS

ClinVar aggregate classification (germline): Uncertain significance. Review status: criteria provided, multiple submitters, no conflicts (2 of 4 stars). 2 submissions from 2 submitters: Uncertain significance (2). Last evaluated 2023-12-10.

Conditions:
Breast-ovarian cancer, familial, susceptibility to, 1 (BROVCA1). Also called: BRCA1 Hereditary Breast and Ovarian Cancer; OVARIAN CANCER, SUSCEPTIBILITY TO. Identifiers: Orphanet 145, MedGen C2676676, MONDO:0011450, OMIM 604370. Disease mechanism: loss of function.
Hereditary breast ovarian cancer syndrome. Also called: Hereditary breast and ovarian cancer; Hereditary breast and ovarian cancer syndrome (HBOC); BRCA1- and BRCA2-Associated Hereditary Breast and Ovarian Cancer; Hereditary breast and ovarian cancer syndrome; Breast and ovarian cancer; Hereditary breast and/or ovarian cancer syndrome. Identifiers: Orphanet 145, MedGen C0677776, MeSH D061325, MONDO:0003582. Disease mechanism: loss of function.

Submissions (2):

Labcorp Genetics (formerly Invitae), Labcorp
Classification: Uncertain significance for Hereditary breast ovarian cancer syndrome. Last evaluated: 2023-12-10. Review status: criteria provided, single submitter. Criteria: Invitae Variant Classification Sherloc (09022015). Collection method: clinical testing. Allele origin: germline.
Comment: This sequence change replaces alanine, which is neutral and non-polar, with threonine, which is neutral and polar, at codon 1623 of the BRCA1 protein (p.Ala1623Thr). This variant is not present in population databases (gnomAD no frequency). This variant has not been reported in the literature in individuals affected with BRCA1-related conditions. Advanced modeling of protein sequence and biophysical properties (such as structural, functional, and spatial information, amino acid conservation, physicochemical variation, residue mobility, and thermodynamic stability) performed at Invitae indicates that this missense variant is not expected to disrupt BRCA1 protein function with a negative predictive value of 95%. In summary, the available evidence is currently insufficient to determine the role of this variant in disease. Therefore, it has been classified as a Variant of Uncertain Significance.

All of Us Research Program, National Institutes of Health
Classification: Uncertain significance for Breast-ovarian cancer, familial, susceptibility to, 1. Last evaluated: 2023-03-09. Review status: criteria provided, single submitter. Criteria: ACMG Guidelines, 2015. Collection method: clinical testing. Allele origin: germline. Inheritance: Autosomal dominant inheritance. Observed: 1 variant allele, 1 heterozygote.
Comment: This missense variant replaces alanine with threonine at codon 1623 of the BRCA1 protein. Computational prediction is inconclusive regarding the impact of this variant on protein structure and function (internally defined REVEL score threshold 0.5 < inconclusive < 0.7, PMID: 27666373). To our knowledge, functional studies have not been reported for this variant. This variant has not been reported in individuals affected with BRCA1-related disorders in the literature. This variant has not been identified in the general population by the Genome Aggregation Database (gnomAD). The available evidence is insufficient to determine the role of this variant in disease conclusively. Therefore, this variant is classified as a Variant of Uncertain Significance.

This study involves interpretation of variants in research participants for the purpose of population health screening. Participant phenotype was not available at the time of variant classification. Additional details can be found in publication PMID: 35346344, PMCID: PMC8962531